The following is an entry in ClinVar:

NM_001953.5(TYMP):c.69_70insTGTCTCTTATACA (p.Gln24fs)

Gene: TYMP (thymidine phosphorylase; minus strand). Cytogenetic location: 22q13.33.
Variant type: Insertion.
Coding change: c.69_70insTGTCTCTTATACA on transcript NM_001953.5 (MANE Select); coding-DNA positions 69 to 70, TGTCTCTTATACA inserted.
Protein change: p.Gln24fs; shifts the reading frame from glutamine 24.
Molecular consequence: frameshift variant.
Genome position: GRCh38 VCF-style: chr22-50529640-G-GTGTATAAGAGACA. GRCh37 (hg19) VCF-style: chr22-50968069-G-GTGTATAAGAGACA.
Other names: c.69_70insTGTCTCTTATACA, p.Gln24fs (NM_001113755.3, NM_001113756.3, NM_001257988.1 and 1 more transcripts); short protein forms Q24fs.
Identifiers: ClinVar variation 5011117 (VCV005011117.1).

ClinVar aggregate classification (germline): Pathogenic (1 of 4 stars; one submission).

Conditions:
Mitochondrial DNA depletion syndrome 1. Also called: POLIP SYNDROME; POLYNEUROPATHY, OPHTHALMOPLEGIA, LEUKOENCEPHALOPATHY, AND INTESTINAL PSEUDOOBSTRUCTION; Mitochondrial Neurogastrointestinal Encephalopathy Disease; MITOCHONDRIAL NEUROGASTROINTESTINAL ENCEPHALOPATHY SYNDROME, TYMP-RELATED; MNGIE, TYMP-RELATED; Mitochondrial neurogastrointestinal encephalomyopathy syndrome. Identifiers: Orphanet 298, MedGen C4551995, MONDO:0011283, OMIM 603041.

Submission:

Myriad Genetics, Inc.
Classification: Pathogenic for Mitochondrial DNA depletion syndrome 1. Last evaluated: 2026-03-19. Review status: criteria provided, single submitter. Criteria: Myriad Autosomal Dominant, Autosomal Recessive and X-Linked Classification Criteria (2023). Collection method: clinical testing. Allele origin: unknown.
Comment: NM_001953.4(TYMP):c.69_70ins13(Q24Cfs*104) is expected to be pathogenic in the context of mitochondrial neurogastrointestinal encephalopathy disease. This variant is predicted to lead to an abnormal or absent protein product due to the creation of a premature termination codon in TYMP, a gene where loss-of-function variants are known to be pathogenic. Please note: this variant was assessed in the context of healthy population screening.